The following is an entry in ClinVar:

ClinVar aggregate classification (germline): Likely benign (0 of 4 stars; one submission).

Conditions:
SEMA3F-related disorder. Also called: SEMA3F-related condition.

Allele frequency attached by ClinVar (database versions not stated): gnomAD 0.00001.
gnomAD v4.1: 26 of 1,613,220 alleles (0.0016%); highest among the groups gnomAD compares: Middle Eastern, 0.049%; no homozygotes.

Submission:

PreventionGenetics, part of Exact Sciences
Classification: Likely benign for SEMA3F-related condition. Last evaluated: 2023-07-28. Review status: no assertion criteria provided. Collection method: clinical testing. Allele origin: germline.
Comment: This variant is classified as likely benign based on ACMG/AMP sequence variant interpretation guidelines (Richards et al. 2015 PMID: 25741868, with internal and published modifications).

NM_004186.5(SEMA3F):c.904-7C>T

Gene: SEMA3F (semaphorin 3F; plus strand). Cytogenetic location: 3p21.31.
Variant type: single nucleotide variant.
Coding change: c.904-7C>T on transcript NM_004186.5 (MANE Select); 7 bases into the intron before coding-DNA position 904, C replaced by T.
Molecular consequence: intron variant.
Genome position (GRCh38, 1-based): chr3:50,182,897, C>T. VCF-style: chr3-50182897-C-T. GRCh37 (hg19) VCF-style: chr3-50220330-C-T.
Other names: c.607-7C>T (NM_001318798.2); c.811-7C>T (NM_001318800.2).
Identifiers: ClinVar variation 3046786 (VCV003046786.2), dbSNP rs1230570656, ClinGen allele CA543052596.